The following is an entry in ClinVar:

ClinVar aggregate classification (germline): Benign/Likely benign. Review status: criteria provided, multiple submitters, no conflicts (2 of 4 stars). 4 submissions from 4 submitters: Benign (2); Likely benign (1). 1 of the submissions does not count toward it. Last evaluated 2026-02-01.

Conditions:
ANKZF1-related disorder. Also called: ANKZF1-related condition.

Allele frequency attached by ClinVar (database versions not stated): 1000 Genomes Project 30x 0.00141; 1000 Genomes Project 0.00180; TOPMed 0.00230; gnomAD exomes 0.00304; ESP Exome Variant Server 0.00310; gnomAD 0.00310 and 0.00326; ExAC 0.00311.
gnomAD v4.1: 6,599 of 1,614,132 alleles (0.41%); highest among the groups gnomAD compares: Non-Finnish European, 0.48%; 17 homozygotes.

Submissions (4):

Labcorp Genetics (formerly Invitae), Labcorp
Classification: Benign. Last evaluated: 2026-02-01. Review status: criteria provided, single submitter. Criteria: Invitae Variant Classification Sherloc (09022015). Collection method: clinical testing. Allele origin: germline.

Mayo Clinic Laboratories, Mayo Clinic
Classification: Likely benign. Last evaluated: 2025-07-07. Review status: criteria provided, single submitter. Criteria: ACMG Guidelines, 2015. Collection method: clinical testing. Allele origin: germline. Observed: 2 variant alleles.
Comment: BS2, BP4, BP7

Breakthrough Genomics
Classification: Benign. Review status: criteria provided, single submitter. Criteria: ACMG Guidelines, 2015. Collection method: not provided. Allele origin: germline. Inheritance: Unknown mechanism. Affected: yes.

PreventionGenetics, part of Exact Sciences
Classification: Benign for ANKZF1-related condition. Last evaluated: 2019-03-18. Review status: no assertion criteria provided. Collection method: clinical testing. Allele origin: germline. Not counted in ClinVar's aggregate classification.
Comment: This variant is classified as benign based on ACMG/AMP sequence variant interpretation guidelines (Richards et al. 2015 PMID: 25741868, with internal and published modifications).

NM_018089.3(ANKZF1):c.1107A>C (p.Val369=)

Gene: ANKZF1 (ankyrin repeat and zinc finger peptidyl tRNA hydrolase 1; plus strand). Cytogenetic location: 2q35.
Variant type: single nucleotide variant.
Coding change: c.1107A>C on transcript NM_018089.3 (MANE Select); coding-DNA position 1107, A replaced by C.
Protein change: p.Val369=; no amino-acid change (valine 369 retained).
Molecular consequence: synonymous variant.
Genome position (GRCh38, 1-based): chr2:219,234,191, A>C. VCF-style: chr2-219234191-A-C. GRCh37 (hg19) VCF-style: chr2-220098913-A-C.
Other names: p.Val369=; c.1107A>C (NM_018089.2); c.1107A>C, p.Val369= (NM_001042410.2); c.477A>C, p.Val159= (NM_001282792.2).
Identifiers: ClinVar variation 718932 (VCV000718932.13), dbSNP rs115949101, ClinGen allele CA2120971.